The following is an entry in ClinVar:

NM_003680.4(YARS1):c.1440G>T (p.Glu480Asp)

Gene: YARS1 (tyrosyl-tRNA synthetase 1; minus strand). Cytogenetic location: 1p35.1.
Variant type: single nucleotide variant.
Coding change: c.1440G>T on transcript NM_003680.4 (MANE Select); coding-DNA position 1440, G replaced by T.
Protein change: p.Glu480Asp; replaces glutamic acid 480 with aspartic acid.
Molecular consequence: missense variant.
Genome position (GRCh38, 1-based): chr1:32,779,418, C>A on the plus strand (G>T on the coding strand, the complement: YARS1 is on the minus strand). VCF-style: chr1-32779418-C-A. GRCh37 (hg19) VCF-style: chr1-33245019-C-A.
Other names: short protein forms E480D.
Identifiers: ClinVar variation 4701617 (VCV004701617.1).

ClinVar aggregate classification (germline): Uncertain significance (1 of 4 stars; one submission).

Conditions:
Charcot-Marie-Tooth disease dominant intermediate C (CMTDIC). Also called: CHARCOT-MARIE-TOOTH NEUROPATHY, DOMINANT INTERMEDIATE C. Identifiers: Orphanet 100045, MedGen C1842237, MONDO:0012012, OMIM 608323.

gnomAD v4.1: 4 of 1,614,206 alleles (0.00025%); highest among the groups gnomAD compares: South Asian, 0.0044%; no homozygotes.

Submission:

Labcorp Genetics (formerly Invitae), Labcorp
Classification: Uncertain significance for Charcot-Marie-Tooth disease dominant intermediate C. Last evaluated: 2025-04-17. Review status: criteria provided, single submitter. Criteria: Invitae Variant Classification Sherloc (09022015). Collection method: clinical testing. Allele origin: germline.
Comment: This sequence change replaces glutamic acid, which is acidic and polar, with aspartic acid, which is acidic and polar, at codon 480 of the YARS protein (p.Glu480Asp). This variant is present in population databases (no rsID available, gnomAD 0.003%). This variant has not been reported in the literature in individuals affected with YARS-related conditions. Invitae Evidence Modeling of protein sequence and biophysical properties (such as structural, functional, and spatial information, amino acid conservation, physicochemical variation, residue mobility, and thermodynamic stability) indicates that this missense variant is not expected to disrupt YARS protein function with a negative predictive value of 80%. In summary, the available evidence is currently insufficient to determine the role of this variant in disease. Therefore, it has been classified as a Variant of Uncertain Significance.